The following is an entry in ClinVar:

NM_000426.4(LAMA2):c.2400_2401insAGGAAGACATTTA (p.Ser801fs)

Gene: LAMA2 (laminin subunit alpha 2; plus strand). Cytogenetic location: 6q22.33.
Variant type: Insertion.
Coding change: c.2400_2401insAGGAAGACATTTA on transcript NM_000426.4 (MANE Select); coding-DNA positions 2400 to 2401, AGGAAGACATTTA inserted.
Protein change: p.Ser801fs; shifts the reading frame from serine 801.
Molecular consequence: frameshift variant.
Genome position: GRCh38 VCF-style: chr6-129270701-C-CAGGAAGACATTTA. GRCh37 (hg19) VCF-style: chr6-129591846-C-CAGGAAGACATTTA.
Other names: c.2400_2401insAGGAAGACATTTA, p.Ser801fs (NM_001079823.2); short protein forms S801fs.
Identifiers: ClinVar variation 1725580 (VCV001725580.3), dbSNP rs2482210497, ClinGen allele CA2580075037.

ClinVar aggregate classification (germline): Likely pathogenic (1 of 4 stars; one submission).

Conditions:
LAMA2-related muscular dystrophy (LAMA2-RD). Also called: Laminin alpha 2-related dystrophy. Identifiers: MedGen C5679788, MONDO:0100228.

Submission:

Myriad Genetics, Inc.
Classification: Likely pathogenic for LAMA2-related muscular dystrophy. Last evaluated: 2022-03-30. Review status: criteria provided, single submitter. Criteria: Myriad Autosomal Dominant, Autosomal Recessive and X-Linked Classification Criteria (2023). Collection method: clinical testing. Allele origin: unknown.
Comment: NM_000426.3(LAMA2):c.2400_2401ins13(S801Rfs*6) is expected to be pathogenic in the context of muscular dystrophy, LAMA2-related. This variant is predicted to lead to an abnormal or absent protein product due to the creation of a premature termination codon in LAMA2, a gene where loss-of-function variants are known to be pathogenic. Please note: this variant was assessed in the context of healthy population screening.